The following is an entry in ClinVar:

ClinVar aggregate classification (germline): Uncertain significance (1 of 4 stars; one submission).

gnomAD v4.1: 2 of 1,603,014 alleles (0.00012%); highest among the groups gnomAD compares: South Asian, 0.0022%; no homozygotes.

Submission:

Labcorp Genetics (formerly Invitae), Labcorp
Classification: Uncertain significance. Last evaluated: 2022-09-19. Review status: criteria provided, single submitter. Criteria: Invitae Variant Classification Sherloc (09022015). Collection method: clinical testing. Allele origin: germline.
Comment: Algorithms developed to predict the effect of missense changes on protein structure and function (SIFT, PolyPhen-2, Align-GVGD) all suggest that this variant is likely to be tolerated. This sequence change replaces alanine, which is neutral and non-polar, with proline, which is neutral and non-polar, at codon 79 of the MCM4 protein (p.Ala79Pro). This variant also falls at the last nucleotide of exon 2, which is part of the consensus splice site for this exon. This variant is present in population databases (no rsID available, gnomAD 0.003%). This variant has not been reported in the literature in individuals affected with MCM4-related conditions. Variants that disrupt the consensus splice site are a relatively common cause of aberrant splicing (PMID: 17576681, 9536098). Algorithms developed to predict the effect of sequence changes on RNA splicing suggest that this variant may disrupt the consensus splice site. In summary, the available evidence is currently insufficient to determine the role of this variant in disease. Therefore, it has been classified as a Variant of Uncertain Significance.

Literature cited by the submitters: PubMed 17576681; PubMed 9536098.

NM_182746.3(MCM4):c.235G>C (p.Ala79Pro)

Gene: MCM4 (minichromosome maintenance complex component 4; plus strand). Cytogenetic location: 8q11.21.
Variant type: single nucleotide variant.
Coding change: c.235G>C on transcript NM_182746.3 (MANE Select); coding-DNA position 235, G replaced by C.
Protein change: p.Ala79Pro; replaces alanine 79 with proline.
Molecular consequence: missense variant.
Genome position (GRCh38, 1-based): chr8:47,961,680, G>C. VCF-style: chr8-47961680-G-C. GRCh37 (hg19) VCF-style: chr8-48874240-G-C.
Other names: c.235G>C, p.Ala79Pro (NM_005914.4); short protein forms A79P.
Identifiers: ClinVar variation 2005040 (VCV002005040.4), dbSNP rs1204911889, ClinGen allele CA371145189.
Genomic context (GRCh38, chr8:47,961,680, plus strand): 5'-CTGCAGAGCCCTGCTGCGCAGGACGTGCTGTTTTCCAGCCCTCCCCAAATGCATTCTTCA[G>C]GTGCGTGTCTGAAGATCTTGGTTTTGCTGTGCTTGATACACAGCTGATGCTTTATCTGCT-3'
Protein context (NP_877423.1, residues 69-89): FSSPPQMHSS[Ala79Pro]IPLDFDVSSP